The following is an entry in ClinVar:

ClinVar aggregate classification (germline): Uncertain significance. Review status: criteria provided, multiple submitters, no conflicts (2 of 4 stars). 4 submissions from 4 submitters: Uncertain significance (3). 1 of the submissions does not count toward it. Last evaluated 2024-06-21.

Conditions:
Retinal dystrophy. Also called: Inherited retinal dystrophy. Identifiers: Orphanet 71862, MedGen C0854723, MeSH D058499, MONDO:0019118, HP:0000556.
Alstrom syndrome (ALMS). Identifiers: Orphanet 64, MedGen C0268425, MONDO:0008763, OMIM 203800.

Allele frequency attached by ClinVar (database versions not stated): gnomAD exomes below 0.00001.
gnomAD v4.1: 1 of 1,613,824 alleles (0.000062%); highest among the groups gnomAD compares: African/African-American, 0.0013%; no homozygotes.

Submissions (4):

Labcorp Genetics (formerly Invitae), Labcorp
Classification: Uncertain significance for Alstrom syndrome. Last evaluated: 2024-06-21. Review status: criteria provided, single submitter. Criteria: Invitae Variant Classification Sherloc (09022015). Collection method: clinical testing. Allele origin: germline.
Comment: This sequence change replaces alanine, which is neutral and non-polar, with threonine, which is neutral and polar, at codon 2176 of the ALMS1 protein (p.Ala2176Thr). This variant is not present in population databases (gnomAD no frequency). This variant has not been reported in the literature in individuals affected with ALMS1-related conditions. ClinVar contains an entry for this variant (Variation ID: 666792). Experimental studies and prediction algorithms are not available or were not evaluated, and the functional significance of this variant is currently unknown. In summary, the available evidence is currently insufficient to determine the role of this variant in disease. Therefore, it has been classified as a Variant of Uncertain Significance.

New York Genome Center
Classification: Uncertain significance for Alstrom syndrome. Last evaluated: 2023-06-02. Review status: criteria provided, single submitter. Criteria: NYGC Assertion Criteria 2020. Collection method: clinical testing. Allele origin: germline. Observed: 1 heterozygote.

Laboratory for Molecular Medicine, Mass General Brigham Personalized Medicine
Classification: Uncertain significance. Last evaluated: 2018-04-10. Review status: criteria provided, single submitter. Criteria: LMM Criteria. Collection method: clinical testing. Allele origin: germline. Observed: 1 variant allele.
Comment: The p.Ala2176Thr variant in ALMS1 has not been previously reported in individual s with hearing loss and was absent from large population studies. Computational prediction tools and conservation analysis do not provide strong support for or against an impact to the protein. In summary, the clinical significance of the p .Ala2176Thr variant is uncertain. ACMG/AMP Criteria applied: PM2.

Institute of Human Genetics, Univ. Regensburg, Univ. Regensburg
Classification: Uncertain significance for Retinal dystrophy. Last evaluated: 2022-01-01. Review status: no assertion criteria provided. Criteria: ACMG Guidelines, 2015. Collection method: clinical testing. Allele origin: germline. Affected: yes. Not counted in ClinVar's aggregate classification.

NM_001378454.1(ALMS1):c.6523G>A (p.Ala2175Thr)

Gene: ALMS1 (ALMS1 centrosome and basal body associated protein; plus strand). Cytogenetic location: 2p13.1.
Variant type: single nucleotide variant.
Coding change: c.6523G>A on transcript NM_001378454.1 (MANE Select); coding-DNA position 6523, G replaced by A.
Protein change: p.Ala2175Thr; replaces alanine 2175 with threonine.
Molecular consequence: missense variant.
Genome position (GRCh38, 1-based): chr2:73,453,050, G>A. VCF-style: chr2-73453050-G-A. GRCh37 (hg19) VCF-style: chr2-73680177-G-A.
Other names: c.6526G>A, p.Ala2176Thr (NM_015120.4); short protein forms A2176T, A2175T.
Identifiers: ClinVar variation 666792 (VCV000666792.8), dbSNP rs1572937937, ClinGen allele CA347288370.